The following is an entry in ClinVar:

NM_020247.5(COQ8A):c.220G>A (p.Gly74Ser)

Gene: COQ8A (coenzyme Q8A; plus strand). Cytogenetic location: 1q42.13.
Variant type: single nucleotide variant.
Coding change: c.220G>A on transcript NM_020247.5 (MANE Select); coding-DNA position 220, G replaced by A.
Protein change: p.Gly74Ser; replaces glycine 74 with serine.
Molecular consequence: missense variant.
Genome position (GRCh38, 1-based): chr1:226,965,042, G>A. VCF-style: chr1-226965042-G-A. GRCh37 (hg19) VCF-style: chr1-227152743-G-A.
Other names: short protein forms G74S.
Identifiers: ClinVar variation 547864 (VCV000547864.11), dbSNP rs778948697, ClinGen allele CA345049914.

ClinVar aggregate classification (germline): Uncertain significance. Review status: criteria provided, multiple submitters, no conflicts (2 of 4 stars). 4 submissions from 4 submitters: Uncertain significance (4). Last evaluated 2025-04-09.

Conditions:
Autosomal recessive ataxia due to ubiquinone deficiency. Also called: Coenzyme Q10 deficiency, primary, 4; SPINOCEREBELLAR ATAXIA, AUTOSOMAL RECESSIVE 9. Identifiers: Orphanet 139485, MedGen C2677589, MONDO:0012784, OMIM 612016.

Allele frequency attached by ClinVar (database versions not stated): gnomAD exomes below 0.00001; TOPMed 0.00004.
gnomAD v4.1: 13 of 1,613,886 alleles (0.00081%); highest among the groups gnomAD compares: Admixed American, 0.0033%; no homozygotes.

Submissions (4):

Athena Diagnostics
Classification: Uncertain significance. Last evaluated: 2025-04-09. Review status: criteria provided, single submitter. Criteria: Athena Diagnostics Criteria. Collection method: clinical testing. Allele origin: unknown.
Comment: Available data are insufficient to determine the clinical significance of the variant at this time. The frequency of this variant in the general population is uninformative in assessment of its pathogenicity. Polyphen and MutationTaster predict this amino acid change may be benign.

Labcorp Genetics (formerly Invitae), Labcorp
Classification: Uncertain significance. Last evaluated: 2022-08-04. Review status: criteria provided, single submitter. Criteria: Invitae Variant Classification Sherloc (09022015). Collection method: clinical testing. Allele origin: germline.
Comment: This sequence change replaces glycine, which is neutral and non-polar, with serine, which is neutral and polar, at codon 74 of the COQ8A protein (p.Gly74Ser). This variant is present in population databases (no rsID available, gnomAD 0.003%). This variant has not been reported in the literature in individuals affected with COQ8A-related conditions. ClinVar contains an entry for this variant (Variation ID: 547864). Advanced modeling of protein sequence and biophysical properties (such as structural, functional, and spatial information, amino acid conservation, physicochemical variation, residue mobility, and thermodynamic stability) performed at Invitae indicates that this missense variant is not expected to disrupt COQ8A protein function. In summary, the available evidence is currently insufficient to determine the role of this variant in disease. Therefore, it has been classified as a Variant of Uncertain Significance.

Revvity Omics, Revvity
Classification: Uncertain significance for Autosomal recessive ataxia due to ubiquinone deficiency. Last evaluated: 2022-05-11. Review status: criteria provided, single submitter. Criteria: ACMG Guidelines, 2015. Collection method: clinical testing. Allele origin: germline.

Mayo Clinic Laboratories, Mayo Clinic
Classification: Uncertain significance for Autosomal recessive ataxia due to ubiquinone deficiency. Last evaluated: 2016-08-22. Review status: criteria provided, single submitter. Criteria: ACMG Guidelines, 2015. Collection method: clinical testing. Allele origin: paternal.

Literature cited by the submitters: PubMed 31577830 (cited by Athena Diagnostics).